The following is an entry in ClinVar:

ClinVar aggregate classification (germline): Likely benign (1 of 4 stars; one submission).

gnomAD v4.1: 7 of 1,613,986 alleles (0.00043%); highest among the groups gnomAD compares: Admixed American, 0.005%; no homozygotes.

Submission:

CeGaT Center for Human Genetics Tuebingen
Classification: Likely benign. Last evaluated: 2026-02-01. Review status: criteria provided, single submitter. Criteria: CeGaT Center For Human Genetics Tuebingen Variant Classification Criteria Version 2. Collection method: clinical testing. Allele origin: germline. Affected: yes. Observed: 1 variant allele.
Comment: CXXC1: BP4, BP7

NM_014593.4(CXXC1):c.333G>A (p.Arg111=)

Gene: CXXC1 (CXXC finger protein 1; minus strand). Cytogenetic location: 18q21.1.
Variant type: single nucleotide variant.
Coding change: c.333G>A on transcript NM_014593.4 (MANE Select); coding-DNA position 333, G replaced by A.
Protein change: p.Arg111=; no amino-acid change (arginine 111 retained).
Molecular consequence: synonymous variant.
Genome position (GRCh38, 1-based): chr18:50,286,148, C>T on the plus strand (G>A on the coding strand, the complement: CXXC1 is on the minus strand). VCF-style: chr18-50286148-C-T. GRCh37 (hg19) VCF-style: chr18-47812518-C-T.
Other names: c.333G>A, p.Arg111= (NM_001101654.2).
Identifiers: ClinVar variation 4822235 (VCV004822235.4).